The following is an entry in ClinVar:

ClinVar aggregate classification (germline): Uncertain significance (1 of 4 stars; one submission).

gnomAD v4.1: 32 of 1,209,722 alleles (0.0026%); highest among the groups gnomAD compares: South Asian, 0.018%; 1 homozygote.

Submission:

Labcorp Genetics (formerly Invitae), Labcorp
Classification: Uncertain significance. Last evaluated: 2025-06-19. Review status: criteria provided, single submitter. Criteria: Invitae Variant Classification Sherloc (09022015). Collection method: clinical testing. Allele origin: germline.
Comment: This sequence change replaces arginine, which is basic and polar, with tryptophan, which is neutral and slightly polar, at codon 191 of the RS1 protein (p.Arg191Trp). This variant is present in population databases (rs141077105, gnomAD 0.005%). This variant has not been reported in the literature in individuals affected with RS1-related conditions. Invitae Evidence Modeling of protein sequence and biophysical properties (such as structural, functional, and spatial information, amino acid conservation, physicochemical variation, residue mobility, and thermodynamic stability) indicates that this missense variant is expected to disrupt RS1 protein function with a positive predictive value of 95%. In summary, the available evidence is currently insufficient to determine the role of this variant in disease. Therefore, it has been classified as a Variant of Uncertain Significance.

NM_000330.4(RS1):c.571C>T (p.Arg191Trp)

Genes: CDKL5 (cyclin dependent kinase like 5; plus strand), RS1 (retinoschisin 1; minus strand). Cytogenetic location: Xp22.13.
Variant type: single nucleotide variant.
Coding change: c.571C>T on transcript NM_000330.4 (MANE Select); coding-DNA position 571, C replaced by T.
Protein change: p.Arg191Trp; replaces arginine 191 with tryptophan.
Molecular consequence: missense variant. On other transcripts: intron variant (2).
Genome position (GRCh38, 1-based): chrX:18,642,108, G>A on the plus strand (C>T on the coding strand, the complement: RS1 is on the minus strand). VCF-style: chrX-18642108-G-A. GRCh37 (hg19) VCF-style: chrX-18660228-G-A.
Other names: c.2714-3899G>A (NM_003159.3, NM_001037343.2); short protein forms R191W.
Identifiers: ClinVar variation 4753442 (VCV004753442.1).